The following is an entry in ClinVar:

ClinVar aggregate classification (germline): Likely pathogenic (1 of 4 stars; one submission).

Conditions:
Maple syrup urine disease type 1B (MSUD1B). Also called: MSUD type IB; MSUD type 3 (formerly); MSUD due to deficiency of e1-beta subunit of branched-chain alpha-keto acid dehydrogenase complex. Identifiers: MedGen C2930990, MONDO:0023692, OMIM 620698.

Submission:

Natera, Inc.
Classification: Likely pathogenic for Maple syrup urine disease type 1B. Last evaluated: 2025-04-28. Review status: criteria provided, single submitter. Criteria: Natera Variant Classification Schema (03/2026). Collection method: clinical testing. Allele origin: germline.
Comment: The c.204_205delinsCT variant in BCKDHB is a deletion-insertion (delins) variant predicted to replace one or more nucleotides with a different sequence. This variant is expected to result in nonsense mediated decay, truncation, or a dysfunctional protein product. This variant is rare in the general population with a frequency below the threshold expected for the associated phenotype(s). Given the available evidence, this variant is classified as Likely Pathogenic.

NM_183050.4(BCKDHB):c.204_205delinsCT (p.Gln69Ter)

Gene: BCKDHB (branched chain keto acid dehydrogenase E1 subunit beta; plus strand). Cytogenetic location: 6q14.1.
Variant type: Indel.
Coding change: c.204_205delinsCT on transcript NM_183050.4 (MANE Select); coding-DNA positions 204 to 205, TC replaced by CT.
Protein change: p.Gln69Ter; replaces glutamine 69 with a stop codon.
Molecular consequence: nonsense. On other transcripts: 5 prime UTR variant (2), non-coding transcript variant (6).
Genome position (GRCh38, 1-based): chr6:80,127,554-80,127,555, TC replaced by CT. VCF-style: chr6-80127554-TC-CT. GRCh37 (hg19) VCF-style: chr6-80837271-TC-CT.
Other names: c.204_205delinsCT, p.Gln69Ter (NM_000056.5, NM_001424035.1, NM_001424036.1 and 8 more transcripts); c.-7_-6delinsCT (NM_001318975.1, NM_001424043.1); short protein forms Q69*.
Identifiers: ClinVar variation 4817017 (VCV004817017.1).